The following is an entry in ClinVar:

NM_000642.3(AGL):c.3116A>T (p.His1039Leu)

Gene: AGL (amylo-alpha-1,6-glucosidase and 4-alpha-glucanotransferase; plus strand). Cytogenetic location: 1p21.2.
Variant type: single nucleotide variant.
Coding change: c.3116A>T on transcript NM_000642.3 (MANE Select); coding-DNA position 3116, A replaced by T.
Protein change: p.His1039Leu; replaces histidine 1039 with leucine.
Molecular consequence: missense variant.
Genome position (GRCh38, 1-based): chr1:99,892,464, A>T. VCF-style: chr1-99892464-A-T. GRCh37 (hg19) VCF-style: chr1-100358020-A-T.
Other names: c.3116A>T, p.His1039Leu (NM_000028.3, NM_000643.3, NM_000644.3 and 1 more transcripts); c.3095A>T, p.His1032Leu (NM_001425326.1); c.2915A>T, p.His972Leu (NM_001425327.1); c.2912A>T, p.His971Leu (NM_001425328.1); c.2777A>T, p.His926Leu (NM_001425329.1); c.2738A>T, p.His913Leu (NM_001425332.1); c.3068A>T, p.His1023Leu (NM_000646.3); short protein forms H1023L, H1039L, H1032L, H913L, H926L, H971L, H972L.
Identifiers: ClinVar variation 972497 (VCV000972497.11), dbSNP rs1430797073, ClinGen allele CA341326596.

ClinVar aggregate classification (germline): Uncertain significance. Review status: criteria provided, multiple submitters, no conflicts (2 of 4 stars). 4 submissions from 4 submitters: Uncertain significance (3). 1 of the submissions does not count toward it. Last evaluated 2025-06-11.

Conditions:
Glycogen storage disease type III (GSD3). Also called: Cori disease; FORBES DISEASE. Identifiers: Orphanet 366, MedGen C0017922, MONDO:0009291, OMIM 232400.
Inborn genetic diseases. Identifiers: MedGen C0950123, MeSH D030342.

Allele frequency attached by ClinVar (database versions not stated): gnomAD exomes 0.00001 and 0.00005; gnomAD 0.00007 and 0.00008; TOPMed 0.00008.
gnomAD v4.1: 31 of 1,613,514 alleles (0.0019%); highest among the groups gnomAD compares: Admixed American, 0.043%; no homozygotes.

Submissions (4):

Ambry Genetics
Classification: Uncertain significance for Inborn genetic diseases. Last evaluated: 2025-06-11. Review status: criteria provided, single submitter. Criteria: Ambry Variant Classification Scheme 2023. Collection method: clinical testing. Allele origin: germline.

Labcorp Genetics (formerly Invitae), Labcorp
Classification: Uncertain significance for Glycogen storage disease type III. Last evaluated: 2025-01-06. Review status: criteria provided, single submitter. Criteria: Invitae Variant Classification Sherloc (09022015). Collection method: clinical testing. Allele origin: germline.
Comment: This sequence change replaces histidine, which is basic and polar, with leucine, which is neutral and non-polar, at codon 1039 of the AGL protein (p.His1039Leu). This variant is present in population databases (no rsID available, gnomAD 0.03%). This variant has not been reported in the literature in individuals affected with AGL-related conditions. ClinVar contains an entry for this variant (Variation ID: 972497). Invitae Evidence Modeling of protein sequence and biophysical properties (such as structural, functional, and spatial information, amino acid conservation, physicochemical variation, residue mobility, and thermodynamic stability) indicates that this missense variant is not expected to disrupt AGL protein function with a negative predictive value of 80%. In summary, the available evidence is currently insufficient to determine the role of this variant in disease. Therefore, it has been classified as a Variant of Uncertain Significance.

Genome-Nilou Lab
Classification: Uncertain significance for Glycogen storage disease type III. Last evaluated: 2023-04-11. Review status: criteria provided, single submitter. Criteria: ACMG Guidelines, 2015. Collection method: clinical testing. Allele origin: germline. Affected: no.

Natera, Inc.
Classification: Uncertain significance for Glycogen storage disease type III. Last evaluated: 2020-03-17. Review status: no assertion criteria provided. Collection method: clinical testing. Allele origin: germline. Not counted in ClinVar's aggregate classification.